The following is an entry in ClinVar:

NM_000748.3(CHRNB2):c.846C>T (p.Leu282=)

Gene: CHRNB2 (cholinergic receptor nicotinic beta 2 subunit; plus strand). Cytogenetic location: 1q21.3.
Variant type: single nucleotide variant.
Coding change: c.846C>T on transcript NM_000748.3 (MANE Select); coding-DNA position 846, C replaced by T.
Protein change: p.Leu282=; no amino-acid change (leucine 282 retained).
Molecular consequence: synonymous variant.
Genome position (GRCh38, 1-based): chr1:154,571,669, C>T. VCF-style: chr1-154571669-C-T. GRCh37 (hg19) VCF-style: chr1-154544145-C-T.
Other names: p.Leu282=.
Identifiers: ClinVar variation 1650874 (VCV001650874.9), dbSNP rs1322383536, ClinGen allele CA421231198.

ClinVar aggregate classification (germline): Likely benign. Review status: criteria provided, multiple submitters, no conflicts (2 of 4 stars). 2 submissions from 2 submitters: Likely benign (2). Last evaluated 2025-05-01.

Conditions:
Familial sleep-related hypermotor epilepsy. Also called: Autosomal Dominant Sleep-Related Hypermotor (Hyperkinetic) Epilepsy. Identifiers: Orphanet 98784, MedGen C3696898, MONDO:0000030.

Allele frequency attached by ClinVar (database versions not stated): gnomAD exomes below 0.00001.

Submissions (2):

Labcorp Genetics (formerly Invitae), Labcorp
Classification: Likely benign. Last evaluated: 2025-05-01. Review status: criteria provided, single submitter. Criteria: Invitae Variant Classification Sherloc (09022015). Collection method: clinical testing. Allele origin: germline.

Mayo Clinic Laboratories, Mayo Clinic
Classification: Likely benign. Last evaluated: 2025-04-10. Review status: criteria provided, single submitter. Criteria: ACMG Guidelines, 2015. Collection method: clinical testing. Allele origin: germline. Observed: 1 variant allele.
Comment: BP4, BP7